The following is an entry in ClinVar:

ClinVar aggregate classification (germline): Likely benign (1 of 4 stars; one submission).

Submission:

CeGaT Center for Human Genetics Tuebingen
Classification: Likely benign. Last evaluated: 2025-09-01. Review status: criteria provided, single submitter. Criteria: CeGaT Center For Human Genetics Tuebingen Variant Classification Criteria Version 2. Collection method: clinical testing. Allele origin: germline. Affected: yes. Observed: 1 variant allele.
Comment: DLD: PM2:Supporting, BP4, BP7

NM_000108.5(DLD):c.633A>G (p.Lys211=)

Gene: DLD (dihydrolipoamide dehydrogenase; plus strand). Cytogenetic location: 7q31.1.
Variant type: single nucleotide variant.
Coding change: c.633A>G on transcript NM_000108.5 (MANE Select); coding-DNA position 633, A replaced by G.
Protein change: p.Lys211=; no amino-acid change (lysine 211 retained).
Molecular consequence: synonymous variant.
Genome position (GRCh38, 1-based): chr7:107,906,317, A>G. VCF-style: chr7-107906317-A-G. GRCh37 (hg19) VCF-style: chr7-107546762-A-G.
Other names: c.336A>G, p.Lys112= (NM_001289750.1); c.564A>G, p.Lys188= (NM_001289751.1); c.489A>G, p.Lys163= (NM_001289752.1).
Identifiers: ClinVar variation 4281400 (VCV004281400.7).